The following is an entry in ClinVar:

NM_182978.4(GNAL):c.250_267dup (p.Ala89_Lys90insGluGluArgGluAlaAla)

Gene: GNAL (G protein subunit alpha L; plus strand). Cytogenetic location: 18p11.21.
Variant type: Duplication.
Coding change: c.250_267dup on transcript NM_182978.4 (MANE Select); coding-DNA positions 250 to 267, 18 bases duplicated (GAGGAGCGCGAGGCGGCC).
Protein change: p.Ala89_Lys90insGluGluArgGluAlaAla.
Molecular consequence: inframe insertion.
Genome position (GRCh38, 1-based): chr18:11,689,813-11,689,830, GAGGAGCGCGAGGCGGCC duplicated; duplicating any 18 consecutive bases within chr18:11,689,810-11,689,830 gives the same sequence; the c. name uses the placement nearest the transcript's 3' end. VCF-style (leftmost placement, unchanged base first): chr18-11689809-T-TGCCGAGGAGCGCGAGGCG. GRCh37 (hg19) VCF-style: chr18-11689808-T-TGCCGAGGAGCGCGAGGCG.
Identifiers: ClinVar variation 2498735 (VCV002498735.28), dbSNP rs779605505, ClinGen allele CA8893785.

ClinVar aggregate classification (germline): Uncertain significance (1 of 4 stars; one submission).

Submission:

CeGaT Center for Human Genetics Tuebingen
Classification: Uncertain significance. Last evaluated: 2024-02-01. Review status: criteria provided, single submitter. Criteria: CeGaT Center For Human Genetics Tuebingen Variant Classification Criteria Version 2. Collection method: clinical testing. Allele origin: germline. Affected: yes. Observed: 3 variant alleles.
Comment: GNAL: PM4